The following is an entry in ClinVar:

ClinVar aggregate classification (germline): Uncertain significance (1 of 4 stars; one submission).

Conditions:
Familial adenomatous polyposis 1 (FAP1). Also called: POLYPOSIS, ADENOMATOUS INTESTINAL; FAMILIAL ADENOMATOUS POLYPOSIS 1, ATTENUATED. Identifiers: MedGen C2713442, MONDO:0021056, OMIM 175100. Disease mechanism: loss of function.

Submission:

Labcorp Genetics (formerly Invitae), Labcorp
Classification: Uncertain significance for Familial adenomatous polyposis 1. Last evaluated: 2021-12-30. Review status: criteria provided, single submitter. Criteria: Invitae Variant Classification Sherloc (09022015). Collection method: clinical testing. Allele origin: germline.
Comment: This sequence change replaces glutamine, which is neutral and polar, with leucine, which is neutral and non-polar, at codon 1175 of the APC protein (p.Gln1175Leu). This variant is not present in population databases (gnomAD no frequency). This variant has not been reported in the literature in individuals affected with APC-related conditions. Algorithms developed to predict the effect of missense changes on protein structure and function are either unavailable or do not agree on the potential impact of this missense change (SIFT: "Deleterious"; PolyPhen-2: "Probably Damaging"; Align-GVGD: "Class C0"). In summary, the available evidence is currently insufficient to determine the role of this variant in disease. Therefore, it has been classified as a Variant of Uncertain Significance.

NM_000038.6(APC):c.3524A>T (p.Gln1175Leu)

Gene: APC (APC regulator of Wnt signaling pathway; plus strand). Cytogenetic location: 5q22.2.
Variant type: single nucleotide variant.
Coding change: c.3524A>T on transcript NM_000038.6 (MANE Select); coding-DNA position 3524, A replaced by T.
Protein change: p.Gln1175Leu; replaces glutamine 1175 with leucine.
Molecular consequence: missense variant.
Genome position (GRCh38, 1-based): chr5:112,839,118, A>T. VCF-style: chr5-112839118-A-T. GRCh37 (hg19) VCF-style: chr5-112174815-A-T.
Other names: c.3524A>T, p.Gln1175Leu (NM_001127510.3, NM_001354895.2, NM_001407450.1); c.3470A>T, p.Gln1157Leu (NM_001127511.3); c.3578A>T, p.Gln1193Leu (NM_001354896.2, NM_001407447.1, NM_001407448.1 and 1 more transcripts); c.3554A>T, p.Gln1185Leu (NM_001354897.2); c.3449A>T, p.Gln1150Leu (NM_001354898.2); c.3440A>T, p.Gln1147Leu (NM_001354899.2); c.3401A>T, p.Gln1134Leu (NM_001354900.2); c.3347A>T, p.Gln1116Leu (NM_001354901.2, NM_001407453.1); and 11 more; short protein forms Q1015L, Q1147L, Q1165L, Q1168L, Q1185L, Q1193L, Q1203L, Q1074L.
Identifiers: ClinVar variation 2066146 (VCV002066146.4), dbSNP rs2533505177, ClinGen allele CA16029076.
Genomic context (GRCh38, chr5:112,839,118, plus strand): 5'-AAGAAGAGAGACCAACAAATTATAGCATAAAATATAATGAAGAGAAACGTCATGTGGATC[A>T]GCCTATTGATTATAGTTTAAAATATGCCACAGATATTCCTTCATCACAGAAACAGTCATT-3'
Protein context (NP_000029.2, residues 1165-1185): KYNEEKRHVD[Gln1175Leu]PIDYSLKYAT